The following is an entry in ClinVar:

ClinVar aggregate classification (germline): Uncertain significance (1 of 4 stars; one submission).

Conditions:
Hereditary cancer-predisposing syndrome. Also called: Neoplastic Syndromes, Hereditary; Tumor predisposition; Hereditary Cancer Syndrome; Hereditary neoplastic syndrome. Identifiers: Orphanet 140162, MedGen C0027672, MeSH D009386, MONDO:0015356.

gnomAD v4.1: 1 of 1,614,000 alleles (0.000062%); highest among the groups gnomAD compares: Non-Finnish European, 0.000085%; no homozygotes.

Submission:

Ambry Genetics
Classification: Uncertain significance for Hereditary cancer-predisposing syndrome. Last evaluated: 2024-10-19. Review status: criteria provided, single submitter. Criteria: Ambry Variant Classification Scheme 2023. Collection method: clinical testing. Allele origin: germline.
Comment: The p.V367L variant (also known as c.1099G>T), located in coding exon 6 of the PDGFRA gene, results from a G to T substitution at nucleotide position 1099. The valine at codon 367 is replaced by leucine, an amino acid with highly similar properties. This amino acid position is conserved. In addition, this alteration is predicted to be tolerated by in silico analysis. Based on the available evidence, the clinical significance of this variant remains unclear.

NM_006206.6(PDGFRA):c.1099G>T (p.Val367Leu)

Gene: PDGFRA (platelet derived growth factor receptor alpha; plus strand). Cytogenetic location: 4q12.
Variant type: single nucleotide variant.
Coding change: c.1099G>T on transcript NM_006206.6 (MANE Select); coding-DNA position 1099, G replaced by T.
Protein change: p.Val367Leu; replaces valine 367 with leucine.
Molecular consequence: missense variant.
Genome position (GRCh38, 1-based): chr4:54,267,719, G>T. VCF-style: chr4-54267719-G-T. GRCh37 (hg19) VCF-style: chr4-55133886-G-T.
Other names: c.1099G>T, p.Val367Leu (NM_001347827.2, NM_001347829.2); c.1174G>T, p.Val392Leu (NM_001347828.2); c.1138G>T, p.Val380Leu (NM_001347830.2); short protein forms V380L, V367L, V392L.
Identifiers: ClinVar variation 3416379 (VCV003416379.1).